The following is an entry in ClinVar:

ClinVar aggregate classification (germline): Uncertain significance (1 of 4 stars; one submission).

Conditions:
Inborn genetic diseases. Identifiers: MedGen C0950123, MeSH D030342.

gnomAD v4.1: 2 of 1,564,500 alleles (0.00013%); highest among the groups gnomAD compares: Non-Finnish European, 0.000088%; no homozygotes.

Submission:

Ambry Genetics
Classification: Uncertain significance for Inborn genetic diseases. Last evaluated: 2021-07-02. Review status: criteria provided, single submitter. Criteria: Ambry Variant Classification Scheme 2023. Collection method: clinical testing. Allele origin: germline.
Comment: The c.682-5T>C intronic alteration consists of a T to C substitution 5 nucleotides before exon 3 of the FANCM gene. Based on insufficient or conflicting evidence, the clinical significance of this alteration remains unclear.

NM_020937.4(FANCM):c.682-5T>C

Gene: FANCM (FA complementation group M; plus strand). Cytogenetic location: 14q21.2.
Variant type: single nucleotide variant.
Coding change: c.682-5T>C on transcript NM_020937.4 (MANE Select); 5 bases into the intron before coding-DNA position 682, T replaced by C.
Molecular consequence: intron variant.
Genome position (GRCh38, 1-based): chr14:45,140,627, T>C. VCF-style: chr14-45140627-T-C. GRCh37 (hg19) VCF-style: chr14-45609830-T-C.
Other names: c.681+3386T>C (NM_001308133.2); c.682-5T>C (NM_001308134.2).
Identifiers: ClinVar variation 2231634 (VCV002231634.2), dbSNP rs1885846914, ClinGen allele CA2580088235.